The following is an entry in ClinVar:

NM_001100913.3(PACS2):c.587-3C>T

Gene: PACS2 (phosphofurin acidic cluster sorting protein 2; plus strand). Cytogenetic location: 14q32.33.
Variant type: single nucleotide variant.
Coding change: c.587-3C>T on transcript NM_001100913.3 (MANE Select); 3 bases into the intron before coding-DNA position 587, C replaced by T.
Molecular consequence: intron variant.
Genome position (GRCh38, 1-based): chr14:105,368,071, C>T. VCF-style: chr14-105368071-C-T. GRCh37 (hg19) VCF-style: chr14-105834408-C-T.
Other names: c.386-3C>T (NM_001243127.3); c.587-3C>T (NM_015197.4).
Identifiers: ClinVar variation 2796639 (VCV002796639.4), dbSNP rs781943399, ClinGen allele CA7388448.
Genomic context (GRCh38, chr14:105,368,071, plus strand): 5'-TCACTGCCTGGTTTCCCGGGTGGAATCTCACGGCACCCTCCCTTCTGTCTGTTCATTCCG[C>T]AGATAACTACTCCGAGGAGGAGTATGAGAGCTTCTCCTCCGAGCAGGAGGCCAGTGACGA-3'

ClinVar aggregate classification (germline): Conflicting classifications of pathogenicity. Review status: criteria provided, conflicting classifications (1 of 4 stars). 2 submissions from 2 submitters: Uncertain significance (1); Likely benign (1). Last evaluated 2025-01-17.

Allele frequency attached by ClinVar (database versions not stated): ExAC 0.00001; gnomAD 0.00001; gnomAD exomes 0.00001.
gnomAD v4.1: 14 of 1,601,606 alleles (0.00087%); highest among the groups gnomAD compares: Middle Eastern, 0.033%; no homozygotes.

Submissions (2):

Labcorp Genetics (formerly Invitae), Labcorp
Classification: Uncertain significance. Last evaluated: 2025-01-17. Review status: criteria provided, single submitter. Criteria: Invitae Variant Classification Sherloc (09022015). Collection method: clinical testing. Allele origin: germline.
Comment: This sequence change falls in intron 5 of the PACS2 gene. It does not directly change the encoded amino acid sequence of the PACS2 protein. It affects a nucleotide within the consensus splice site. This variant is present in population databases (rs781943399, gnomAD 0.03%). This variant has not been reported in the literature in individuals affected with PACS2-related conditions. ClinVar contains an entry for this variant (Variation ID: 2796639). Variants that disrupt the consensus splice site are a relatively common cause of aberrant splicing (PMID: 17576681, 9536098). Algorithms developed to predict the effect of sequence changes on RNA splicing suggest that this variant is not likely to affect RNA splicing. In summary, the available evidence is currently insufficient to determine the role of this variant in disease. Therefore, it has been classified as a Variant of Uncertain Significance.

Blueprint Genetics
Classification: Likely benign. Last evaluated: 2022-07-06. Review status: criteria provided, single submitter. Criteria: ACMG Guidelines, 2015. Collection method: clinical testing. Allele origin: germline.

Literature cited by the submitters: PubMed 17576681 (cited by Labcorp Genetics (formerly Invitae), Labcorp); PubMed 9536098 (cited by Labcorp Genetics (formerly Invitae), Labcorp).